The following is an entry in ClinVar:

ClinVar aggregate classification (germline): Conflicting classifications of pathogenicity. Review status: criteria provided, conflicting classifications (1 of 4 stars). 4 submissions from 4 submitters: Uncertain significance (2); Likely benign (1). 1 of the submissions does not count toward it. Last evaluated 2025-10-29.

Conditions:
Primary ciliary dyskinesia. Also called: Ciliary dyskinesia. Identifiers: Orphanet 244, MedGen C0008780, MONDO:0016575, HP:0012265.

Allele frequency attached by ClinVar (database versions not stated): gnomAD exomes 0.00016 and 0.00018; 1000 Genomes Project 0.00020; 1000 Genomes Project 30x 0.00031; ESP Exome Variant Server 0.00008; ExAC 0.00012; gnomAD 0.00013; TOPMed 0.00014.
gnomAD v4.1: 284 of 1,614,098 alleles (0.018%); highest among the groups gnomAD compares: Admixed American, 0.047%; no homozygotes.

Submissions (4):

Labcorp Genetics (formerly Invitae), Labcorp
Classification: Likely benign for Primary ciliary dyskinesia. Last evaluated: 2025-10-29. Review status: criteria provided, single submitter. Criteria: Invitae Variant Classification Sherloc (09022015). Collection method: clinical testing. Allele origin: germline.

Women's Health and Genetics/Laboratory Corporation of America, LabCorp
Classification: Uncertain significance. Last evaluated: 2025-01-24. Review status: criteria provided, single submitter. Criteria: LabCorp Variant Classification Summary - May 2015. Collection method: clinical testing. Allele origin: germline.
Comment: Variant summary: DNAH5 c.5438A>G (p.Glu1813Gly) results in a non-conservative amino acid change in the encoded protein sequence. Three of five in-silico tools predict a damaging effect of the variant on protein function. The variant allele was found at a frequency of 0.00016 in 251248 control chromosomes. This frequency is not significantly higher than estimated for a pathogenic variant in DNAH5 causing Primary ciliary dyskinesia 3, allowing no conclusion about variant significance. To our knowledge, no occurrence of c.5438A>G in individuals affected with Primary ciliary dyskinesia 3 and no experimental evidence demonstrating its impact on protein function have been reported. ClinVar contains an entry for this variant (Variation ID: 454784). Based on the evidence outlined above, the variant was classified as uncertain significance.

Ambry Genetics
Classification: Uncertain significance for Primary ciliary dyskinesia. Last evaluated: 2016-05-27. Review status: criteria provided, single submitter. Criteria: Ambry Variant Classification Scheme 2023. Collection method: clinical testing. Allele origin: germline.
Comment: The p.E1813G variant (also known as c.5438A>G), located in coding exon 33 of the DNAH5 gene, results from an A to G substitution at nucleotide position 5438. The glutamic acid at codon 1813 is replaced by glycine, an amino acid with similar properties. This amino acid position is not well conserved in available vertebrate species. In addition, this alteration is predicted to be tolerated by in silico analysis. Since supporting evidence is limited at this time, the clinical significance of this alteration remains unclear.

Natera, Inc.
Classification: Uncertain significance for Primary ciliary dyskinesia. Last evaluated: 2019-10-28. Review status: no assertion criteria provided. Collection method: clinical testing. Allele origin: germline. Not counted in ClinVar's aggregate classification.

NM_001369.3(DNAH5):c.5438A>G (p.Glu1813Gly)

Gene: DNAH5 (dynein axonemal heavy chain 5; minus strand). Cytogenetic location: 5p15.2.
Variant type: single nucleotide variant.
Coding change: c.5438A>G on transcript NM_001369.3 (MANE Select); coding-DNA position 5438, A replaced by G.
Protein change: p.Glu1813Gly; replaces glutamic acid 1813 with glycine.
Molecular consequence: missense variant.
Genome position (GRCh38, 1-based): chr5:13,841,738, T>C on the plus strand (A>G on the coding strand, the complement: DNAH5 is on the minus strand). VCF-style: chr5-13841738-T-C. GRCh37 (hg19) VCF-style: chr5-13841847-T-C.
Other names: short protein forms E1813G.
Identifiers: ClinVar variation 454784 (VCV000454784.18), dbSNP rs199910966, ClinGen allele CA3203675.